The following is an entry in ClinVar:

ClinVar aggregate classification (germline): Uncertain significance (1 of 4 stars; one submission).

Submission:

Labcorp Genetics (formerly Invitae), Labcorp
Classification: Uncertain significance. Last evaluated: 2025-11-08. Review status: criteria provided, single submitter. Criteria: Invitae Variant Classification Sherloc (09022015). Collection method: clinical testing. Allele origin: germline.
Comment: This sequence change falls in intron 2 of the RFWD3 gene. It does not directly change the encoded amino acid sequence of the RFWD3 protein. It affects a nucleotide within the consensus splice site. This variant is not present in population databases (gnomAD no frequency). This variant has not been reported in the literature in individuals affected with RFWD3-related conditions. Variants that disrupt the consensus splice site are a relatively common cause of aberrant splicing (PMID: 17576681, 9536098). Algorithms developed to predict the effect of sequence changes on RNA splicing suggest that this variant may disrupt the consensus splice site. In summary, the available evidence is currently insufficient to determine the role of this variant in disease. Therefore, it has been classified as a Variant of Uncertain Significance.

Literature cited by the submitters: PubMed 17576681; PubMed 9536098.

NM_018124.4(RFWD3):c.518+4A>G

Gene: RFWD3 (ring finger and WD repeat domain 3; minus strand). Cytogenetic location: 16q23.1.
Variant type: single nucleotide variant.
Coding change: c.518+4A>G on transcript NM_018124.4 (MANE Select); 4 bases into the intron after coding-DNA position 518, A replaced by G.
Molecular consequence: intron variant.
Genome position (GRCh38, 1-based): chr16:74,660,928, T>C on the plus strand (A>G on the coding strand, the complement: RFWD3 is on the minus strand). VCF-style: chr16-74660928-T-C. GRCh37 (hg19) VCF-style: chr16-74694826-T-C.
Other names: c.518+4A>G (NM_001370534.1, NM_001370536.1, NM_001370535.1); c.-114+4A>G (NM_001370539.1); c.-491+4A>G (NM_001370537.1); c.-246+4A>G (NM_001370543.1); c.-368+4A>G (NM_001370542.1); c.-317+3696A>G (NM_001370540.1).
Identifiers: ClinVar variation 4766613 (VCV004766613.1).